The following is an entry in ClinVar:

NM_000485.3(APRT):c.334A>T (p.Ile112Phe)

Gene: APRT (adenine phosphoribosyltransferase; minus strand). Cytogenetic location: 16q24.3.
Variant type: single nucleotide variant.
Coding change: c.334A>T on transcript NM_000485.3 (MANE Select); coding-DNA position 334, A replaced by T.
Protein change: p.Ile112Phe; replaces isoleucine 112 with phenylalanine.
Molecular consequence: missense variant.
Genome position (GRCh38, 1-based): chr16:88,810,136, T>A on the plus strand (A>T on the coding strand, the complement: APRT is on the minus strand). VCF-style: chr16-88810136-T-A. GRCh37 (hg19) VCF-style: chr16-88876544-T-A.
Other names: c.334A>T, p.Ile112Phe (NM_001030018.2); short protein forms I112F.
Identifiers: ClinVar variation 988055 (VCV000988055.7), dbSNP rs767177754, ClinGen allele CA8234451.

ClinVar aggregate classification (germline): Conflicting classifications of pathogenicity. Review status: criteria provided, conflicting classifications (1 of 4 stars). 5 submissions from 5 submitters: Pathogenic (1); Likely pathogenic (1); Uncertain significance (2). 1 of the submissions does not count toward it. Last evaluated 2025-10-03.

Conditions:
Adenine phosphoribosyltransferase deficiency (APRTD). Also called: APRT DEFICIENCY; NEPHROLITHIASIS, DHA; Urolithiasis, dha; 2,8-dihydroxyadenine urolithiasis. Identifiers: Orphanet 976, MedGen C0268120, MONDO:0013869, OMIM 614723.

Allele frequency attached by ClinVar (database versions not stated): ExAC 0.00001; gnomAD exomes 0.00001; gnomAD 0.00007 and 0.00009; TOPMed 0.00015.
gnomAD v4.1: 18 of 1,613,048 alleles (0.0011%); highest among the groups gnomAD compares: Admixed American, 0.018%; no homozygotes.

Submissions (5):

Rare Kidney Stone Consortium and the Mayo Clinic Hyperoxaluria Center, Mayo Clinic
Classification: Pathogenic for Adenine phosphoribosyltransferase deficiency. Last evaluated: 2025-10-03. Review status: criteria provided, single submitter. Criteria: ACMG Guidelines, 2015. Collection method: research. Allele origin: germline. Affected: yes. Observed: 1 variant allele.
Comment: ACMG:PM1, PM2, PP2, PP3, PP5

Labcorp Genetics (formerly Invitae), Labcorp
Classification: Uncertain significance. Last evaluated: 2024-12-12. Review status: criteria provided, single submitter. Criteria: Invitae Variant Classification Sherloc (09022015). Collection method: clinical testing. Allele origin: germline.
Comment: This sequence change replaces isoleucine, which is neutral and non-polar, with phenylalanine, which is neutral and non-polar, at codon 112 of the APRT protein (p.Ile112Phe). This variant is present in population databases (rs767177754, gnomAD 0.004%). This missense change has been observed in individual(s) with APRT deficiency (PMID: 33707627). ClinVar contains an entry for this variant (Variation ID: 988055). An algorithm developed to predict the effect of missense changes on protein structure and function (PolyPhen-2) suggests that this variant is likely to be disruptive. In summary, the available evidence is currently insufficient to determine the role of this variant in disease. Therefore, it has been classified as a Variant of Uncertain Significance.

Fulgent Genetics
Classification: Likely pathogenic for Adenine phosphoribosyltransferase deficiency. Last evaluated: 2024-04-08. Review status: criteria provided, single submitter. Criteria: ACMG Guidelines, 2015. Collection method: clinical testing. Allele origin: germline.

Blueprint Genetics
Classification: Uncertain significance. Last evaluated: 2020-10-12. Review status: criteria provided, single submitter. Criteria: ACMG Guidelines, 2015. Collection method: clinical testing. Allele origin: germline.

APRT Deficiency Research Program of the Rare Kidney Stone Consortium, Landspitali, National University Hospital of Iceland
Classification: Pathogenic for Adenine phosphoribosyltransferase deficiency. Last evaluated: 2020-09-01. Review status: no assertion criteria provided. Collection method: literature only. Allele origin: germline. Affected: yes. Not counted in ClinVar's aggregate classification.

Literature cited by the submitters: PubMed 1781410 (cited by Rare Kidney Stone Consortium and the Mayo Clinic Hyperoxaluria Center, Mayo Clinic); PubMed 33707627 (cited by Rare Kidney Stone Consortium and the Mayo Clinic Hyperoxaluria Center, Mayo Clinic and Labcorp Genetics (formerly Invitae), Labcorp); PubMed 40794449 (cited by Rare Kidney Stone Consortium and the Mayo Clinic Hyperoxaluria Center, Mayo Clinic); DOI 10.1036/ommbid.136 (cited by APRT Deficiency Research Program of the Rare Kidney Stone Consortium, Landspitali, National University Hospital of Iceland).